The following is an entry in ClinVar:

ClinVar aggregate classification (germline): Benign. Review status: criteria provided, multiple submitters, no conflicts (2 of 4 stars). 2 submissions from 2 submitters: Benign (2). Last evaluated 2018-06-14.

Allele frequency attached by ClinVar (database versions not stated): gnomAD exomes 0.02534; 1000 Genomes Project 0.04054; 1000 Genomes Project 30x 0.04419; gnomAD 0.04447 and 0.04647; TOPMed 0.04732.
gnomAD v4.1: 29,832 of 1,050,524 alleles (2.8%); highest among the groups gnomAD compares: African/African-American, 10%; 706 homozygotes.

Submissions (2):

GeneDx
Classification: Benign. Last evaluated: 2018-06-14. Review status: criteria provided, single submitter. Criteria: GeneDx Variant Classification (06012015). Collection method: clinical testing. Allele origin: germline. Affected: yes.
Comment: This variant is considered likely benign or benign based on one or more of the following criteria: it is a conservative change, it occurs at a poorly conserved position in the protein, it is predicted to be benign by multiple in silico algorithms, and/or has population frequency not consistent with disease.

Breakthrough Genomics
Classification: Benign. Review status: criteria provided, single submitter. Criteria: ACMG Guidelines, 2015. Collection method: not provided. Allele origin: germline. Inheritance: Autosomal recessive inheritance. Affected: yes.

NM_001854.4(COL11A1):c.2241+89C>T

Gene: COL11A1 (collagen type XI alpha 1 chain; minus strand). Cytogenetic location: 1p21.1.
Variant type: single nucleotide variant.
Coding change: c.2241+89C>T on transcript NM_001854.4 (MANE Select); 89 bases into the intron after coding-DNA position 2241, C replaced by T.
Molecular consequence: intron variant.
Genome position (GRCh38, 1-based): chr1:102,996,991, G>A on the plus strand (C>T on the coding strand, the complement: COL11A1 is on the minus strand). VCF-style: chr1-102996991-G-A. GRCh37 (hg19) VCF-style: chr1-103462547-G-A.
Other names: c.2124+89C>T (NM_001190709.2); c.2277+89C>T (NM_080629.3); c.1893+89C>T (NM_080630.4).
Identifiers: ClinVar variation 675125 (VCV000675125.2), dbSNP rs2622869, ClinGen allele CA27723490.
Genomic context (GRCh38, chr1:102,996,991, plus strand): 5'-TGATATAAAATTAAAAGTAGTCTAAGATATCTTTTTTATACCCAAAATAACTATATGAAC[G>A]TGATTTATATATATGAGATGACCAAATTAAGGCATTTTCTCTTGGAAATTTATTAATAGG-3'